The following is an entry in ClinVar:

ClinVar aggregate classification (germline): Conflicting classifications of pathogenicity. Review status: criteria provided, conflicting classifications (1 of 4 stars). 9 submissions from 9 submitters: Pathogenic (1); Likely pathogenic (1); Uncertain significance (7). Last evaluated 2026-09-22.

Conditions:
Autosomal recessive hypophosphatemic bone disease (HHRH). Also called: Hypophosphatemic rickets with hypercalciuria; HYPERCALCIURIC RICKETS. Identifiers: Orphanet 157215, MedGen C1853271, MONDO:0009431, OMIM 241530.
Kidney disorder. Also called: Nephropathy; Kidney disease; Kidney Diseases; renal disorder; renal disease. Identifiers: MedGen C0022658, MONDO:0005240, HP:0000112.
SLC34A3-related disorder. Also called: SLC34A3-related condition.

Submissions (9):

PreventionGenetics, part of Exact Sciences
Classification: Uncertain significance for SLC34A3-related condition. Last evaluated: 2026-09-22. Review status: criteria provided, single submitter. Criteria: ACMG Guidelines, 2015. Collection method: clinical testing. Allele origin: germline.
Comment: The SLC34A3 c.1579_1581delCTC variant is predicted to result in an in-frame deletion (p.Leu527del). This variant, also described as c.1576CTC in the literature, has been reported in combination with another SLC34A3 variant in individuals with hereditary hypophosphataemic rickets with hypercalciuria (Bergwitz et al. 2006. PubMed ID: 16358214; Supplemental tables, Hureaux et al. 2019. PubMed ID: 31672324; Pinto e Vairo et al. 2021. PubMed ID: 34746741) and may cause increased calcium excretion and other laboratory abnormalities when in the heterozygous state (Bergwitz et al. 2006. PubMed ID: 16358214). The c.1579_1581del, p.Leu527del variant is often, but not always, observed to occur in cis with c.413C>T, p.Ser138Phe (Christensen et al. 2021. PubMed ID: 34666334; Urban et al. 2025. PubMed ID: 41292648), but these variants have also been observed in the compound heterozygous state (Supplemental Table 1, Ashton et al. 2018. PubMed ID: 29398133). The c.1579_1581del variant is reported in 0.058% of alleles in individuals of South Asian descent in gnomAD and has conflicting classifications in ClinVar ranging from uncertain to pathogenic (Variation ID: 949510). Although we suspect that this variant may be pathogenic, at this time, the clinical significance of this variant is uncertain due to the absence of conclusive functional and genetic evidence.

Victorian Clinical Genetics Services, Murdoch Childrens Research Institute
Classification: Likely pathogenic for Autosomal recessive hypophosphatemic bone disease. Last evaluated: 2026-02-19. Review status: criteria provided, single submitter. Criteria: ACMG Guidelines, 2015. Collection method: clinical testing. Allele origin: germline. Affected: yes.
Comment: This variant is classified as Likely pathogenic. Evidence in support of pathogenic classification: In-frame deletion in a non-repetitive region that has low conservation; Variant is present in gnomAD <0.01 for a recessive condition (v4: 414 heterozygote(s), 0 homozygote(s)); Clinically accredited laboratory assay shows abnormal function of product not specific to the gene. Heterozygous variant detected in trans with a PATHOGENIC heterozygous variant (NM_001177316.1(SLC34A3):c.1623G>A; p.(Trp541*)) in a recessive disease. Additional information: This variant is heterozygous; This gene is associated with autosomal recessive disease; Previous reports of pathogenicity for this variant are conflicting. This variant has been classified as a VUS by clinical laboratories in ClinVar, and was observed along with p.(Ser138Phe) and p.(Gly457Ser) as a secondary finding in an individual with hereditary spherocytosis and renal tubular acidosis (PMID: 35441494). This variant has also been observed in five families with SLC34A3-related phenotypes where p.(Ser138Phe) was also observed and suggested to be in cis with this variant in three families (PMIDs: 34805638, 34746741, 24700880, 16358214, 39256228). Those three families also had a third variant that was compound heterozygous with this allele, while the remaining two families only had this variant and p.(Ser138Phe); Segregation evidence for this variant is inconclusive. This variant has been observed in cis with p.(Ser138Phe) and in trans with another missense variant in three affected individuals from one family with hypophosphatemic rickets with hypercalciuria (PMID: 16358214); No comparable in-frame deletion variants have previous evidence for pathogenicity; Variant is located in the annotated Na+/Pi-cotransporter family domain (DECIPHER); Loss of function is a known mechanism of disease in this gene and is associated with hypophosphatemic rickets with hypercalciuria (MIM#241530); Variants in this gene are known to have variable expressivity. Approximately 45% of compound heterozygotes present with rickets (PMID: 32524022); This variant has been shown to be maternally inherited (external laboratory).

Labcorp Genetics (formerly Invitae), Labcorp
Classification: Uncertain significance. Last evaluated: 2025-12-16. Review status: criteria provided, single submitter. Criteria: Invitae Variant Classification Sherloc (09022015). Collection method: clinical testing. Allele origin: germline.
Comment: This variant, c.1579_1581del, results in the deletion of 1 amino acid(s) of the SLC34A3 protein (p.Leu527del), but otherwise preserves the integrity of the reading frame. This variant is present in population databases (rs776275610, gnomAD 0.06%). This variant has been observed in individual(s) with features of hereditary hypophosphatemic rickets with hypercalciuria and is frequently observed in cis with p.Ser138Phe (PMID: 16358214, 24700880, 34666334). ClinVar contains an entry for this variant (Variation ID: 949510). Experimental studies and prediction algorithms are not available or were not evaluated, and the functional significance of this variant is currently unknown. In summary, the available evidence is currently insufficient to determine the role of this variant in disease. Therefore, it has been classified as a Variant of Uncertain Significance.

GeneDx
Classification: Uncertain significance. Last evaluated: 2025-11-12. Review status: criteria provided, single submitter. Criteria: GeneDx Variant Classification Process June 2021. Collection method: clinical testing. Allele origin: germline. Affected: yes.
Comment: Observed with additional SLC34A3 variants, including p.(S138F), in individuals with hereditary hypophosphatemic rickets with hypercalciuria (HHRH) in published literature, however, segregation studies were unable to determine the phase of this variant with the other SLC34A3 variants (PMID: 24700880, 16358214); Observed in the apparent homozygous state in an individual with HHRH in a published abstract, however, this individual was also heterozygous for the S138F variant in the SLC34A3 gene (Steele et al., 2013. Bone Abstracts Vol 2, P159. doi:10.1530/boneabs.2.P159); Identified in the heterozygous state in two siblings with hypercalciuria from a large family with HHRH in published literature (PMID: 16358214); In-frame deletion of 1 amino acid in a non-repeat region; In silico analysis supports a deleterious effect on protein structure/function; This variant is associated with the following publications: (PMID: 30109410, 34666334, 34746741, 34805638, 24700880, 16358214, 35441494, 39256228)

Rare Kidney Stone Consortium and the Mayo Clinic Hyperoxaluria Center, Mayo Clinic
Classification: Pathogenic for Autosomal recessive hypophosphatemic bone disease. Last evaluated: 2025-10-03. Review status: criteria provided, single submitter. Criteria: ACMG Guidelines, 2015. Collection method: research. Allele origin: germline. Affected: yes. Observed: 2 variant alleles.

Blueprint Genetics
Classification: Uncertain significance. Last evaluated: 2024-11-26. Review status: criteria provided, single submitter. Criteria: ACMG Guidelines, 2015. Collection method: clinical testing. Allele origin: germline.

Women's Health and Genetics/Laboratory Corporation of America, LabCorp
Classification: Uncertain significance. Last evaluated: 2024-05-02. Review status: criteria provided, single submitter. Criteria: LabCorp Variant Classification Summary - May 2015. Collection method: clinical testing. Allele origin: germline.
Comment: Variant summary: SLC34A3 c.1579_1581delCTC (p.Leu527del) results in an in-frame deletion that is predicted to remove one amino acid from the encoded protein. The variant allele was found at a frequency of 0.00018 in 222660 control chromosomes. This frequency is not significantly higher than estimated for a pathogenic variant in SLC34A3 causing Hereditary Hypophosphatemic Rickets With Hypercalciuria (0.00018 vs 0.0018), allowing no conclusion about variant significance. c.1579_1581delCTC has been reported in the literature in individuals affected with Hereditary Hypophosphatemic Rickets With Hypercalciuria and is frequently found in cis with p.Ser138Phe (Ashton_2018, Bergwitz_2006, Christensen_2022, Cogal_2021, Dasgupta_2014, Hureaux_2019). These report(s) do not provide unequivocal conclusions about association of the variant with Hereditary Hypophosphatemic Rickets With Hypercalciuria. To our knowledge, no experimental evidence demonstrating an impact on protein function has been reported. The following publications have been ascertained in the context of this evaluation (PMID: 29398133, 16358214, 34666334, 34805638, 24700880, 31672324). ClinVar contains an entry for this variant (Variation ID: 949510). Based on the evidence outlined above, the variant was classified as uncertain significance.

Fulgent Genetics
Classification: Uncertain significance for Autosomal recessive hypophosphatemic bone disease. Last evaluated: 2024-02-09. Review status: criteria provided, single submitter. Criteria: ACMG Guidelines, 2015. Collection method: clinical testing. Allele origin: germline.

Cambridge Genomics Laboratory, East Genomic Laboratory Hub, NHS Genomic Medicine Service
Classification: Uncertain significance for Kidney disorder. Last evaluated: 2018-09-20. Review status: criteria provided, single submitter. Criteria: ACGS Best Practice Guidelines for Variant Classification in Rare Disease 2020. Collection method: clinical testing. Allele origin: germline. Affected: yes. Observed: 1 variant allele.

Literature cited by the submitters: PubMed 16358214 (cited by 3 submitters); PubMed 34746741 (cited by Victorian Clinical Genetics Services, Murdoch Childrens Research Institute); PubMed 35441494 (cited by Victorian Clinical Genetics Services, Murdoch Childrens Research Institute); PubMed 39256228 (cited by Victorian Clinical Genetics Services, Murdoch Childrens Research Institute); PubMed 32524022 (cited by Victorian Clinical Genetics Services, Murdoch Childrens Research Institute); PubMed 24700880 (cited by 3 submitters); PubMed 34805638 (cited by Victorian Clinical Genetics Services, Murdoch Childrens Research Institute and Women's Health and Genetics/Laboratory Corporation of America, LabCorp); PubMed 34666334 (cited by Labcorp Genetics (formerly Invitae), Labcorp and Women's Health and Genetics/Laboratory Corporation of America, LabCorp); PubMed 40794449 (cited by Rare Kidney Stone Consortium and the Mayo Clinic Hyperoxaluria Center, Mayo Clinic); PubMed 31672324 (cited by Women's Health and Genetics/Laboratory Corporation of America, LabCorp); PubMed 29398133 (cited by Women's Health and Genetics/Laboratory Corporation of America, LabCorp).

NM_001177316.2(SLC34A3):c.1576CTC[1] (p.Leu527del)

Gene: SLC34A3 (solute carrier family 34 member 3; plus strand). Cytogenetic location: 9q34.3.
Variant type: Microsatellite.
Coding change: c.1576CTC[1] on transcript NM_001177316.2 (MANE Select); one copy of the 3-base unit CTC starting at c.1576; the reference has two copies in a row; one copy, 3 bases deleted; also written c.1579_1581del.
Protein change: p.Leu527del; deletes leucine 527.
Molecular consequence: inframe deletion.
Genome position (GRCh38, 1-based): chr9:137,236,195-137,236,197, CTC deleted; deleting any 3 consecutive bases within chr9:137,236,192-137,236,197 gives the same sequence; the position shown is the placement nearest the transcript's 3' end. VCF-style (leftmost placement, unchanged base first): chr9-137236191-GCTC-G. GRCh37 (hg19) VCF-style: chr9-140130643-GCTC-G.
Other names: c.1576CTC[1], p.Leu527del (NM_001177317.2, NM_080877.3); c.1579_1581del (NM_080877.3, NM_080877.2, NM_001177316.2); c.1579_1581delCTC (NM_080877.2, NM_080877.3); short protein forms L527del.
Identifiers: ClinVar variation 949510 (VCV000949510.22), dbSNP rs776275610, ClinGen allele CA5365000.